The following is an entry in ClinVar:

ClinVar aggregate classification (germline): Uncertain significance (1 of 4 stars; one submission).

Allele frequency attached by ClinVar (database versions not stated): gnomAD exomes below 0.00001; gnomAD 0.00001; TOPMed 0.00002.

Submission:

Labcorp Genetics (formerly Invitae), Labcorp
Classification: Uncertain significance. Last evaluated: 2022-02-24. Review status: criteria provided, single submitter. Criteria: Invitae Variant Classification Sherloc (09022015). Collection method: clinical testing. Allele origin: germline.
Comment: In summary, the available evidence is currently insufficient to determine the role of this variant in disease. Therefore, it has been classified as a Variant of Uncertain Significance. Algorithms developed to predict the effect of sequence changes on RNA splicing suggest that this variant may create or strengthen a splice site. Algorithms developed to predict the effect of missense changes on protein structure and function output the following: SIFT: "Tolerated"; PolyPhen-2: "Benign"; Align-GVGD: "Class C0". The glutamine amino acid residue is found in multiple mammalian species, which suggests that this missense change does not adversely affect protein function. This variant has not been reported in the literature in individuals affected with RDH5-related conditions. The frequency data for this variant in the population databases is considered unreliable, as metrics indicate poor data quality at this position in the gnomAD database. This sequence change replaces arginine, which is basic and polar, with glutamine, which is neutral and polar, at codon 126 of the RDH5 protein (p.Arg126Gln).

NM_002905.5(RDH5):c.377G>A (p.Arg126Gln)

Genes: BLOC1S1-RDH5 (BLOC1S1-RDH5 readthrough; plus strand), RDH5 (retinol dehydrogenase 5; plus strand). Cytogenetic location: 12q13.2.
Variant type: single nucleotide variant.
Coding change: c.377G>A on transcript NM_002905.5 (MANE Select); coding-DNA position 377, G replaced by A.
Protein change: p.Arg126Gln; replaces arginine 126 with glutamine.
Molecular consequence: missense variant. On other transcripts: non-coding transcript variant (1).
Genome position (GRCh38, 1-based): chr12:55,721,755, G>A. VCF-style: chr12-55721755-G-A. GRCh37 (hg19) VCF-style: chr12-56115539-G-A.
Other names: c.377G>A, p.Arg126Gln (NM_001199771.3); short protein forms R126Q.
Identifiers: ClinVar variation 1345470 (VCV001345470.6), dbSNP rs1394352343, ClinGen allele CA385200700.